The following is an entry in ClinVar:

NM_007078.3(LDB3):c.71A>T (p.Asn24Ile)

Gene: LDB3 (LIM domain binding 3; plus strand). Cytogenetic location: 10q23.2.
Variant type: single nucleotide variant.
Coding change: c.71A>T on transcript NM_007078.3 (MANE Select); coding-DNA position 71, A replaced by T.
Protein change: p.Asn24Ile; replaces asparagine 24 with isoleucine.
Molecular consequence: missense variant.
Genome position (GRCh38, 1-based): chr10:86,668,762, A>T. VCF-style: chr10-86668762-A-T. GRCh37 (hg19) VCF-style: chr10-88428519-A-T.
Other names: c.71A>T, p.Asn24Ile (NM_001080114.2, NM_001080115.2, NM_001080116.1 and 8 more transcripts); short protein forms N24I.
Identifiers: ClinVar variation 4710164 (VCV004710164.1).

ClinVar aggregate classification (germline): Uncertain significance (1 of 4 stars; one submission).

Conditions:
Myofibrillar myopathy 4. Also called: Zaspopathy (type). Identifiers: Orphanet 98912, MedGen C4721886, MONDO:0012277, OMIM 609452.

gnomAD v4.1: 1 of 1,613,076 alleles (0.000062%); highest among the groups gnomAD compares: Non-Finnish European, 0.000085%; no homozygotes.

Submission:

Labcorp Genetics (formerly Invitae), Labcorp
Classification: Uncertain significance for Myofibrillar myopathy 4. Last evaluated: 2025-02-13. Review status: criteria provided, single submitter. Criteria: Invitae Variant Classification Sherloc (09022015). Collection method: clinical testing. Allele origin: germline.
Comment: This sequence change replaces asparagine, which is neutral and polar, with isoleucine, which is neutral and non-polar, at codon 24 of the LDB3 protein (p.Asn24Ile). This variant is present in population databases (no rsID available, gnomAD 0.0009%). This variant has not been reported in the literature in individuals affected with LDB3-related conditions. An algorithm developed to predict the effect of missense changes on protein structure and function (PolyPhen-2) suggests that this variant is likely to be disruptive. In summary, the available evidence is currently insufficient to determine the role of this variant in disease. Therefore, it has been classified as a Variant of Uncertain Significance.